The following is an entry in ClinVar:

NM_015338.6(ASXL1):c.1964C>T (p.Thr655Ile)

Gene: ASXL1 (ASXL transcriptional regulator 1; plus strand). Cytogenetic location: 20q11.21.
Variant type: single nucleotide variant.
Coding change: c.1964C>T on transcript NM_015338.6 (MANE Select); coding-DNA position 1964, C replaced by T.
Protein change: p.Thr655Ile; replaces threonine 655 with isoleucine.
Molecular consequence: missense variant.
Genome position (GRCh38, 1-based): chr20:32,434,676, C>T. VCF-style: chr20-32434676-C-T. GRCh37 (hg19) VCF-style: chr20-31022479-C-T.
Other names: c.1781C>T, p.Thr594Ile (NM_001363734.1); short protein forms T655I, T594I.
Identifiers: ClinVar variation 3659642 (VCV003659642.3).

ClinVar aggregate classification (germline): Uncertain significance. Review status: criteria provided, multiple submitters, no conflicts (2 of 4 stars). 2 submissions from 2 submitters: Uncertain significance (2). Last evaluated 2025-01-14.

Conditions:
Inborn genetic diseases. Identifiers: MedGen C0950123, MeSH D030342.

Submissions (2):

Ambry Genetics
Classification: Uncertain significance for Inborn genetic diseases. Last evaluated: 2025-01-14. Review status: criteria provided, single submitter. Criteria: Ambry Variant Classification Scheme 2023. Collection method: clinical testing. Allele origin: germline.
Comment: The p.T655I variant (also known as c.1964C>T), located in coding exon 13 of the ASXL1 gene, results from a C to T substitution at nucleotide position 1964. The threonine at codon 655 is replaced by isoleucine, an amino acid with similar properties. This amino acid position is conserved. In addition, this alteration is predicted to be tolerated by in silico analysis. Based on the available evidence, the clinical significance of this variant remains unclear.

Labcorp Genetics (formerly Invitae), Labcorp
Classification: Uncertain significance. Last evaluated: 2024-07-16. Review status: criteria provided, single submitter. Criteria: Invitae Variant Classification Sherloc (09022015). Collection method: clinical testing. Allele origin: germline.
Comment: This sequence change replaces threonine, which is neutral and polar, with isoleucine, which is neutral and non-polar, at codon 655 of the ASXL1 protein (p.Thr655Ile). This variant is not present in population databases (gnomAD no frequency). This variant has not been reported in the literature in individuals affected with ASXL1-related conditions. An algorithm developed to predict the effect of missense changes on protein structure and function outputs the following: PolyPhen-2: "Benign". The isoleucine amino acid residue is found in multiple mammalian species, which suggests that this missense change does not adversely affect protein function. In summary, the available evidence is currently insufficient to determine the role of this variant in disease. Therefore, it has been classified as a Variant of Uncertain Significance.